The following is an entry in ClinVar:

NM_006269.2(RP1):c.4534A>G (p.Lys1512Glu)

Gene: RP1 (RP1 axonemal microtubule associated; plus strand). Cytogenetic location: 8q12.1.
Variant type: single nucleotide variant.
Coding change: c.4534A>G on transcript NM_006269.2 (MANE Select); coding-DNA position 4534, A replaced by G.
Protein change: p.Lys1512Glu; replaces lysine 1512 with glutamic acid.
Molecular consequence: missense variant. On other transcripts: intron variant (1).
Genome position (GRCh38, 1-based): chr8:54,628,416, A>G. VCF-style: chr8-54628416-A-G. GRCh37 (hg19) VCF-style: chr8-55540976-A-G.
Other names: c.787+6128A>G (NM_001375654.1); short protein forms K1512E.
Identifiers: ClinVar variation 2860906 (VCV002860906.3), dbSNP rs781147109, ClinGen allele CA4751895.

ClinVar aggregate classification (germline): Uncertain significance (1 of 4 stars; one submission).

Allele frequency attached by ClinVar (database versions not stated): gnomAD exomes below 0.00001; ExAC 0.00001.
gnomAD v4.1: 1 of 1,613,576 alleles (0.000062%); highest among the groups gnomAD compares: South Asian, 0.0011%; no homozygotes.

Submission:

Labcorp Genetics (formerly Invitae), Labcorp
Classification: Uncertain significance. Last evaluated: 2023-05-04. Review status: criteria provided, single submitter. Criteria: Invitae Variant Classification Sherloc (09022015). Collection method: clinical testing. Allele origin: germline.
Comment: In summary, the available evidence is currently insufficient to determine the role of this variant in disease. Therefore, it has been classified as a Variant of Uncertain Significance. An algorithm developed to predict the effect of missense changes on protein structure and function (PolyPhen-2) suggests that this variant is likely to be tolerated. This variant has not been reported in the literature in individuals affected with RP1-related conditions. This variant is present in population databases (rs781147109, gnomAD 0.003%). This sequence change replaces lysine, which is basic and polar, with glutamic acid, which is acidic and polar, at codon 1512 of the RP1 protein (p.Lys1512Glu).